The following is an entry in ClinVar:

ClinVar aggregate classification (germline): Likely benign. Review status: criteria provided, multiple submitters, no conflicts (2 of 4 stars). 3 submissions from 3 submitters: Likely benign (3). Last evaluated 2025-09-02.

Conditions:
Heterotopia, periventricular, X-linked dominant (PVNH1). Also called: X-linked periventricular heterotopia; PERIVENTRICULAR NODULAR HETEROTOPIA 4; HETEROTOPIA, PERIVENTRICULAR, 1; PERIVENTRICULAR NODULAR HETEROTOPIA 1. Identifiers: Orphanet 2149, Orphanet 82004, MedGen C1848213, MONDO:0010233, OMIM 300049.
Frontometaphyseal dysplasia (FMD1). Identifiers: Orphanet 1826, MedGen C0265293, MONDO:0015942.
Oto-palato-digital syndrome, type II (OPD2). Also called: Otopalatodigital Syndrome, Type II; Otopalatodigital Syndrome Type 2 (FLNA-OPD2); FACIOPALATOOSSEOUS SYNDROME; OPD II SYNDROME. Identifiers: Orphanet 669, Orphanet 90652, MedGen C1844696, MONDO:0010571, OMIM 304120.
Melnick-Needles syndrome (MNS). Also called: Melnick-Needles Syndrome (FLNA-MNS); MELNICK-NEEDLES OSTEODYSPLASTY; OSTEODYSPLASTY OF MELNICK AND NEEDLES. Identifiers: Orphanet 2484, MedGen C0025237, MONDO:0010650, OMIM 309350.
Familial thoracic aortic aneurysm and aortic dissection (TAAD). Also called: Thoracic aortic aneurysms and dissections. Identifiers: Orphanet 91387, MedGen C4707243, MONDO:0019625.

Allele frequency attached by ClinVar (database versions not stated): ExAC 0.00001; gnomAD 0.00001; gnomAD exomes 0.00002 and 0.00003; TOPMed 0.00002.
gnomAD v4.1: 32 of 1,209,699 alleles (0.0026%); highest among the groups gnomAD compares: Non-Finnish European, 0.0034%; no homozygotes.

Submissions (3):

Labcorp Genetics (formerly Invitae), Labcorp
Classification: Likely benign for Oto-palato-digital syndrome, type II; Heterotopia, periventricular, X-linked dominant; Frontometaphyseal dysplasia; Melnick-Needles syndrome. Last evaluated: 2025-09-02. Review status: criteria provided, single submitter. Criteria: Invitae Variant Classification Sherloc (09022015). Collection method: clinical testing. Allele origin: germline.

CeGaT Center for Human Genetics Tuebingen
Classification: Likely benign. Last evaluated: 2023-11-01. Review status: criteria provided, single submitter. Criteria: CeGaT Center For Human Genetics Tuebingen Variant Classification Criteria Version 2. Collection method: clinical testing. Allele origin: germline. Affected: yes. Observed: 1 variant allele.
Comment: FLNA: BP4

Ambry Genetics
Classification: Likely benign for Familial thoracic aortic aneurysm and aortic dissection. Last evaluated: 2020-08-07. Review status: criteria provided, single submitter. Criteria: Ambry Variant Classification Scheme 2023. Collection method: clinical testing. Allele origin: germline.

NM_001110556.2(FLNA):c.3006C>A (p.Gly1002=)

Gene: FLNA (filamin A; minus strand). Cytogenetic location: Xq28.
Variant type: single nucleotide variant.
Coding change: c.3006C>A on transcript NM_001110556.2 (MANE Select); coding-DNA position 3006, C replaced by A.
Protein change: p.Gly1002=; no amino-acid change (glycine 1002 retained).
Molecular consequence: synonymous variant.
Genome position (GRCh38, 1-based): chrX:154,361,509, G>T on the plus strand (C>A on the coding strand, the complement: FLNA is on the minus strand). VCF-style: chrX-154361509-G-T. GRCh37 (hg19) VCF-style: chrX-153589877-G-T.
Other names: c.3006C>A, p.Gly1002= (NM_001456.4).
Identifiers: ClinVar variation 1090648 (VCV001090648.33), dbSNP rs782396211, ClinGen allele CA10560786.